The following is an entry in ClinVar:

NM_000088.4(COL1A1):c.3046-3C>T

Gene: COL1A1 (collagen type I alpha 1 chain; minus strand). Cytogenetic location: 17q21.33.
Variant type: single nucleotide variant.
Coding change: c.3046-3C>T on transcript NM_000088.4 (MANE Select); 3 bases into the intron before coding-DNA position 3046, C replaced by T.
Molecular consequence: intron variant.
Genome position (GRCh38, 1-based): chr17:50,188,798, G>A on the plus strand (C>T on the coding strand, the complement: COL1A1 is on the minus strand). VCF-style: chr17-50188798-G-A. GRCh37 (hg19) VCF-style: chr17-48266159-G-A.
Identifiers: ClinVar variation 3655443 (VCV003655443.2).

ClinVar aggregate classification (germline): Uncertain significance (1 of 4 stars; one submission).

Conditions:
Osteogenesis imperfecta type I (OI1). Also called: Lobstein's Disease; Lobstein disease; Classic Non-deforming Osteogenesis Imperfecta with Blue Sclerae; OI, TYPE I; OSTEOGENESIS IMPERFECTA TARDA; OSTEOGENESIS IMPERFECTA WITH BLUE SCLERAE. Identifiers: Orphanet 216796, Orphanet 666, MedGen C0023931, MONDO:0008146, OMIM 166200. Disease mechanism: loss of function.

Submission:

Labcorp Genetics (formerly Invitae), Labcorp
Classification: Uncertain significance for Osteogenesis imperfecta type I. Last evaluated: 2024-02-04. Review status: criteria provided, single submitter. Criteria: Invitae Variant Classification Sherloc (09022015). Collection method: clinical testing. Allele origin: germline.
Comment: This sequence change falls in intron 41 of the COL1A1 gene. It does not directly change the encoded amino acid sequence of the COL1A1 protein. It affects a nucleotide within the consensus splice site. This variant is present in population databases (no rsID available, gnomAD 0.006%). This variant has not been reported in the literature in individuals affected with COL1A1-related conditions. Variants that disrupt the consensus splice site are a relatively common cause of aberrant splicing (PMID: 17576681, 9536098). Algorithms developed to predict the effect of sequence changes on RNA splicing suggest that this variant is not likely to affect RNA splicing. In summary, the available evidence is currently insufficient to determine the role of this variant in disease. Therefore, it has been classified as a Variant of Uncertain Significance.

Literature cited by the submitters: PubMed 17576681; PubMed 9536098.